The following is an entry in ClinVar:

NM_024079.5(ALG8):c.141T>C (p.Thr47=)

Gene: ALG8 (ALG8 alpha-1,3-glucosyltransferase; minus strand). Cytogenetic location: 11q14.1.
Variant type: single nucleotide variant.
Coding change: c.141T>C on transcript NM_024079.5 (MANE Select); coding-DNA position 141, T replaced by C.
Protein change: p.Thr47=; no amino-acid change (threonine 47 retained).
Molecular consequence: synonymous variant. On other transcripts: 5 prime UTR variant (4), non-coding transcript variant (2), intron variant (4).
Genome position (GRCh38, 1-based): chr11:78,127,391, A>G on the plus strand (T>C on the coding strand, the complement: ALG8 is on the minus strand). VCF-style: chr11-78127391-A-G. GRCh37 (hg19) VCF-style: chr11-77838437-A-G.
Other names: c.141T>C, p.Thr47= (NM_001007027.3, NM_001425220.1, NM_001425221.1 and 14 more transcripts); c.144T>C, p.Thr48= (NM_001425219.1); c.-124T>C (NM_001425234.1, NM_001425239.1); c.-372T>C (NM_001425241.1); c.-410T>C (NM_001425242.1); c.96-3299T>C (NM_001425231.1); c.22-3177T>C (NM_001425235.1, NM_001425226.1, NM_001425236.1).
Identifiers: ClinVar variation 3905104 (VCV003905104.10).
Genomic context (GRCh38, chr11:78,127,391, plus strand): 5'-AAAAAAAAGGTGAAAATTAAAACTTACCTCATAATACCACTGTGATATTGGCAAACTGTG[A>G]GTGATAGCAAGCCAGTTTCGGTGTACTTCAAAATCTGTGGAATGGCTACTCAAAACAATT-3'
Protein context (NP_076984.2, residues 37-57): FEVHRNWLAI[Thr47=]HSLPISQWYY

ClinVar aggregate classification (germline): Likely benign (1 of 4 stars; one submission).

gnomAD v4.1: 22 of 1,614,002 alleles (0.0014%); highest among the groups gnomAD compares: Non-Finnish European, 0.0019%; no homozygotes.

Submission:

CeGaT Center for Human Genetics Tuebingen
Classification: Likely benign. Last evaluated: 2025-05-01. Review status: criteria provided, single submitter. Criteria: CeGaT Center For Human Genetics Tuebingen Variant Classification Criteria Version 2. Collection method: clinical testing. Allele origin: germline. Affected: yes. Observed: 1 variant allele.
Comment: ALG8: BP4, BP7